The following is an entry in ClinVar:

NM_015311.3(OBSL1):c.1283-1G>C

Gene: OBSL1 (obscurin like cytoskeletal adaptor 1; minus strand). Cytogenetic location: 2q35.
Variant type: single nucleotide variant.
Coding change: c.1283-1G>C on transcript NM_015311.3 (MANE Select); the canonical splice acceptor site of the intron before coding-DNA position 1283, G replaced by C.
Molecular consequence: splice acceptor variant.
Genome position (GRCh38, 1-based): chr2:219,567,970, C>G on the plus strand (G>C on the coding strand, the complement: OBSL1 is on the minus strand). VCF-style: chr2-219567970-C-G. GRCh37 (hg19) VCF-style: chr2-220432692-C-G.
Other names: c.1283-1G>C (NM_001173431.2, NM_001173408.2).
Identifiers: ClinVar variation 3729439 (VCV003729439.2).

ClinVar aggregate classification (germline): Likely pathogenic (1 of 4 stars; one submission).

Submission:

Labcorp Genetics (formerly Invitae), Labcorp
Classification: Likely pathogenic. Last evaluated: 2025-01-23. Review status: criteria provided, single submitter. Criteria: Invitae Variant Classification Sherloc (09022015). Collection method: clinical testing. Allele origin: germline.
Comment: This sequence change affects an acceptor splice site in intron 2 of the OBSL1 gene. It is expected to disrupt RNA splicing. Variants that disrupt the donor or acceptor splice site typically lead to a loss of protein function (PMID: 16199547), and loss-of-function variants in OBSL1 are known to be pathogenic (PMID: 19481195, 19877176). This variant is not present in population databases (gnomAD no frequency). This variant has not been reported in the literature in individuals affected with OBSL1-related conditions. Algorithms developed to predict the effect of sequence changes on RNA splicing suggest that this variant may disrupt the consensus splice site. In summary, the currently available evidence indicates that the variant is pathogenic, but additional data are needed to prove that conclusively. Therefore, this variant has been classified as Likely Pathogenic.

Literature cited by the submitters: PubMed 16199547; PubMed 19481195; PubMed 19877176.